The following is an entry in ClinVar:

ClinVar aggregate classification (germline): Likely pathogenic (1 of 4 stars; one submission).

Conditions:
Neurodevelopmental disorder with or without anomalies of the brain, eye, or heart (NEDBEH). Identifiers: Orphanet 494344, MedGen C5567477, MONDO:0014857, OMIM 616975.

Submission:

Genetics Laboratory, UDIAT-Centre Diagnòstic, Hospital Universitari Parc Tauli
Classification: Likely pathogenic for neurodevelopmental disorder with or without anomalies of the brain, eye, or heart. Last evaluated: 2024-03-26. Review status: criteria provided, single submitter. Criteria: ACMG Guidelines, 2015. Collection method: clinical testing. Allele origin: unknown. Inheritance: Autosomal dominant inheritance. Affected: yes.
Comment: PVS1_very strong;PM2_supporting

NM_001042681.2(RERE):c.830+1G>C

Gene: RERE (arginine-glutamic acid dipeptide repeats; minus strand). Cytogenetic location: 1p36.23.
Variant type: single nucleotide variant.
Coding change: c.830+1G>C on transcript NM_001042681.2 (MANE Select); the canonical splice donor site of the intron after coding-DNA position 830, G replaced by C.
Molecular consequence: splice donor variant.
Genome position (GRCh38, 1-based): chr1:8,541,213, C>G on the plus strand (G>C on the coding strand, the complement: RERE is on the minus strand). VCF-style: chr1-8541213-C-G. GRCh37 (hg19) VCF-style: chr1-8601272-C-G.
Other names: c.830+1G>C (NM_012102.4).
Identifiers: ClinVar variation 3897640 (VCV003897640.1).
Genomic context (GRCh38, chr1:8,541,213, plus strand): 5'-ACACACACAAATGAGAAAAGGAAAAGAGTTCTCAATGAATGGACACAAGTGACTCACTTA[C>G]CTTGTCTCAGGGTTATATCCTAATATGTAGAAAAATGAATCCACTCGGGCTTTAAACTCT-3'